The following is an entry in ClinVar:

NM_001303256.3(MORC2):c.776G>A (p.Gly259Glu)

Gene: MORC2 (MORC family CW-type zinc finger 2; minus strand). Cytogenetic location: 22q12.2.
Variant type: single nucleotide variant.
Coding change: c.776G>A on transcript NM_001303256.3 (MANE Select); coding-DNA position 776, G replaced by A.
Protein change: p.Gly259Glu; replaces glycine 259 with glutamic acid.
Molecular consequence: missense variant.
Genome position (GRCh38, 1-based): chr22:30,941,481, C>T on the plus strand (G>A on the coding strand, the complement: MORC2 is on the minus strand). VCF-style: chr22-30941481-C-T. GRCh37 (hg19) VCF-style: chr22-31337468-C-T.
Other names: c.776G>A, p.Gly259Glu (NM_001303257.2); c.590G>A, p.Gly197Glu (NM_014941.3); short protein forms G197E, G259E.
Identifiers: ClinVar variation 542274 (VCV000542274.7), dbSNP rs368260550, ClinGen allele CA10187171.

ClinVar aggregate classification (germline): Uncertain significance (1 of 4 stars; one submission).

Conditions:
Charcot-Marie-Tooth disease axonal type 2Z. Also called: CHARCOT-MARIE-TOOTH DISEASE, AXONAL, AUTOSOMAL DOMINANT, TYPE 2Z; CHARCOT-MARIE-TOOTH NEUROPATHY, TYPE 2Z. Identifiers: Orphanet 466768, MedGen C5569025, MONDO:0014736, OMIM 616688.

Allele frequency attached by ClinVar (database versions not stated): gnomAD 0.00003 and 0.00004; ESP Exome Variant Server 0.00008; ExAC 0.00001; gnomAD exomes below 0.00001; TOPMed 0.00002.
gnomAD v4.1: 34 of 1,613,904 alleles (0.0021%); highest among the groups gnomAD compares: Non-Finnish European, 0.0028%; no homozygotes.

Submission:

Labcorp Genetics (formerly Invitae), Labcorp
Classification: Uncertain significance for Charcot-Marie-Tooth disease axonal type 2Z. Last evaluated: 2024-04-11. Review status: criteria provided, single submitter. Criteria: Invitae Variant Classification Sherloc (09022015). Collection method: clinical testing. Allele origin: germline.
Comment: This sequence change replaces glycine, which is neutral and non-polar, with glutamic acid, which is acidic and polar, at codon 259 of the MORC2 protein (p.Gly259Glu). This variant is present in population databases (rs368260550, gnomAD 0.002%). This variant has not been reported in the literature in individuals affected with MORC2-related conditions. ClinVar contains an entry for this variant (Variation ID: 542274). Advanced modeling of protein sequence and biophysical properties (such as structural, functional, and spatial information, amino acid conservation, physicochemical variation, residue mobility, and thermodynamic stability) performed at Invitae indicates that this missense variant is expected to disrupt MORC2 protein function with a positive predictive value of 95%. In summary, the available evidence is currently insufficient to determine the role of this variant in disease. Therefore, it has been classified as a Variant of Uncertain Significance.